The following is an entry in ClinVar:

ClinVar aggregate classification (germline): Pathogenic (1 of 4 stars; one submission).

Conditions:
Hyperammonemia, type III (NAGSD). Also called: Hyperammonemia due to N-acetylglutamate synthase deficiency. Identifiers: Orphanet 927, MedGen C0268543, MONDO:0009377, OMIM 237310.

Submission:

Labcorp Genetics (formerly Invitae), Labcorp
Classification: Pathogenic for Hyperammonemia, type III. Last evaluated: 2022-03-31. Review status: criteria provided, single submitter. Criteria: Invitae Variant Classification Sherloc (09022015). Collection method: clinical testing. Allele origin: germline.
Comment: For these reasons, this variant has been classified as Pathogenic. This variant has not been reported in the literature in individuals affected with NAGS-related conditions. This variant is not present in population databases (gnomAD no frequency). This sequence change creates a premature translational stop signal (p.Pro45Argfs*66) in the NAGS gene. It is expected to result in an absent or disrupted protein product. Loss-of-function variants in NAGS are known to be pathogenic (PMID: 12594532).

Literature cited by the submitters: PubMed 12594532.

NM_153006.3(NAGS):c.134del (p.Pro45fs)

Gene: NAGS (N-acetylglutamate synthase; plus strand). Cytogenetic location: 17q21.31.
Variant type: Deletion.
Coding change: c.134del on transcript NM_153006.3 (MANE Select); coding-DNA position 134, one base deleted (C; older notation c.134delC).
Protein change: p.Pro45fs; shifts the reading frame from proline 45.
Molecular consequence: frameshift variant.
Genome position (GRCh38, 1-based): chr17:44,004,797, C deleted; the last of 3 consecutive C bases (chr17:44,004,795-44,004,797); deleting any one gives the same sequence. VCF-style (leftmost placement, unchanged base first): chr17-44004794-GC-G. GRCh37 (hg19) VCF-style: chr17-42082162-GC-G.
Other names: short protein forms P45fs.
Identifiers: ClinVar variation 2119764 (VCV002119764.4), dbSNP rs2509277315, ClinGen allele CA2580093832.